The following is an entry in ClinVar:

ClinVar aggregate classification (germline): Uncertain significance (1 of 4 stars; one submission).

Conditions:
Naxos disease (NXD). Also called: KERATOSIS PALMOPLANTARIS WITH ARRHYTHMOGENIC CARDIOMYOPATHY; MAL DE NAXOS; PALMOPLANTAR KERATODERMA WITH ARRHYTHMOGENIC RIGHT VENTRICULAR CARDIOMYOPATHY AND WOOLLY HAIR; WOOLLY HAIR, PALMOPLANTAR KERATODERMA, AND CARDIAC ABNORMALITIES; CARDIOMYOPATHY, ARRHYTHMOGENIC RIGHT VENTRICULAR, WITH SKIN, HAIR, AND NAIL ABNORMALITIES. Identifiers: Orphanet 34217, MedGen C1832600, MONDO:0011017, OMIM 601214.
Arrhythmogenic right ventricular dysplasia 12. Also called: ARRHYTHMOGENIC RIGHT VENTRICULAR DYSPLASIA, FAMILIAL, 12. Identifiers: MedGen C1969081, MONDO:0012684, OMIM 611528.

Allele frequency attached by ClinVar (database versions not stated): gnomAD 0.00001.

Submission:

Labcorp Genetics (formerly Invitae), Labcorp
Classification: Uncertain significance for Arrhythmogenic right ventricular dysplasia 12; Naxos disease. Last evaluated: 2020-01-21. Review status: criteria provided, single submitter. Criteria: Invitae Variant Classification Sherloc (09022015). Collection method: clinical testing. Allele origin: germline.
Comment: In summary, the available evidence is currently insufficient to determine the role of this variant in disease. Therefore, it has been classified as a Variant of Uncertain Significance. Algorithms developed to predict the effect of missense changes on protein structure and function are either unavailable or do not agree on the potential impact of this missense change (SIFT: "Tolerated"; PolyPhen-2: "Possibly Damaging"; Align-GVGD: "Class C0"). This variant has not been reported in the literature in individuals with JUP-related conditions. This variant is not present in population databases (ExAC no frequency). This sequence change replaces arginine with leucine at codon 540 of the JUP protein (p.Arg540Leu). The arginine residue is moderately conserved and there is a moderate physicochemical difference between arginine and leucine.

NM_002230.4(JUP):c.1619G>T (p.Arg540Leu)

Gene: JUP (junction plakoglobin; minus strand). Cytogenetic location: 17q21.2.
Variant type: single nucleotide variant.
Coding change: c.1619G>T on transcript NM_002230.4 (MANE Select); coding-DNA position 1619, G replaced by T.
Protein change: p.Arg540Leu; replaces arginine 540 with leucine.
Molecular consequence: missense variant.
Genome position (GRCh38, 1-based): chr17:41,758,749, C>A on the plus strand (G>T on the coding strand, the complement: JUP is on the minus strand). VCF-style: chr17-41758749-C-A. GRCh37 (hg19) VCF-style: chr17-39915001-C-A.
Other names: c.1619G>T, p.Arg540Leu (NM_001352773.2, NM_001352774.2, NM_001352775.2 and 3 more transcripts); short protein forms R540L.
Identifiers: ClinVar variation 1054992 (VCV001054992.9), dbSNP rs376881608, ClinGen allele CA399493616.